The following is an entry in ClinVar:

ClinVar aggregate classification (germline): Pathogenic (1 of 4 stars; one submission).

Conditions:
Nephronophthisis 15 (NPHP15). Identifiers: Orphanet 3156, MedGen C3541853, MONDO:0013917, OMIM 614845.

Submission:

Labcorp Genetics (formerly Invitae), Labcorp
Classification: Pathogenic for Nephronophthisis 15. Last evaluated: 2022-11-01. Review status: criteria provided, single submitter. Criteria: Invitae Variant Classification Sherloc (09022015). Collection method: clinical testing. Allele origin: germline.
Comment: For these reasons, this variant has been classified as Pathogenic. This variant is not present in population databases (gnomAD no frequency). ClinVar contains an entry for this variant (Variation ID: 1015384). This variant has not been reported in the literature in individuals affected with CEP164-related conditions. This sequence change creates a premature translational stop signal (p.Gly886*) in the CEP164 gene. It is expected to result in an absent or disrupted protein product. Loss-of-function variants in CEP164 are known to be pathogenic (PMID: 22863007, 28125082, 32367404, 34132027, 34499853).

Literature cited by the submitters: PubMed 22863007; PubMed 28125082; PubMed 32367404; PubMed 34132027; PubMed 34499853.

NM_014956.5(CEP164):c.2656G>T (p.Gly886Ter)

Gene: CEP164 (centrosomal protein 164; plus strand). Cytogenetic location: 11q23.3.
Variant type: single nucleotide variant.
Coding change: c.2656G>T on transcript NM_014956.5 (MANE Select); coding-DNA position 2656, G replaced by T.
Protein change: p.Gly886Ter; replaces glycine 886 with a stop codon.
Molecular consequence: nonsense.
Genome position (GRCh38, 1-based): chr11:117,394,389, G>T. VCF-style: chr11-117394389-G-T. GRCh37 (hg19) VCF-style: chr11-117265105-G-T.
Other names: c.2665G>T, p.Gly889Ter (NM_001271933.2); short protein forms G886*, G889*.
Identifiers: ClinVar variation 1015384 (VCV001015384.6), dbSNP rs377597884, ClinGen allele CA382727959.